The following is an entry in ClinVar:

ClinVar aggregate classification (germline): Pathogenic (1 of 4 stars; one submission).

gnomAD v4.1: 1 of 1,550,354 alleles (0.000065%); no homozygotes.

Submission:

Labcorp Genetics (formerly Invitae), Labcorp
Classification: Pathogenic. Last evaluated: 2022-05-17. Review status: criteria provided, single submitter. Criteria: Invitae Variant Classification Sherloc (09022015). Collection method: clinical testing. Allele origin: germline.
Comment: This variant disrupts a region of the ZNF469 protein in which other variant(s) (p.Arg3414Glyfs*59) have been determined to be pathogenic (PMID: 32671420). This suggests that this is a clinically significant region of the protein, and that variants that disrupt it are likely to be disease-causing. For these reasons, this variant has been classified as Pathogenic. This variant has not been reported in the literature in individuals affected with ZNF469-related conditions. This variant is not present in population databases (gnomAD no frequency). This sequence change creates a premature translational stop signal (p.Trp1955*) in the ZNF469 gene. While this is not anticipated to result in nonsense mediated decay, it is expected to disrupt the last 1971 amino acid(s) of the ZNF469 protein.

Literature cited by the submitters: PubMed 32671420.

NM_001367624.2(ZNF469):c.5948G>A (p.Trp1983Ter)

Gene: ZNF469 (zinc finger protein 469; plus strand). Cytogenetic location: 16q24.2.
Variant type: single nucleotide variant.
Coding change: c.5948G>A on transcript NM_001367624.2 (MANE Select); coding-DNA position 5948, G replaced by A.
Protein change: p.Trp1983Ter; replaces tryptophan 1983 with a stop codon.
Molecular consequence: nonsense.
Genome position (GRCh38, 1-based): chr16:88,433,418, G>A. VCF-style: chr16-88433418-G-A. GRCh37 (hg19) VCF-style: chr16-88499826-G-A.
Other names: short protein forms W1983*.
Identifiers: ClinVar variation 1993739 (VCV001993739.4), dbSNP rs2507592045, ClinGen allele CA397103273.